The following is an entry in ClinVar:

NM_000136.3(FANCC):c.29dup (p.Cys10fs)

Gene: FANCC (FA complementation group C; minus strand). Cytogenetic location: 9q22.32.
Variant type: Duplication.
Coding change: c.29dup on transcript NM_000136.3 (MANE Select); coding-DNA position 29, one base duplicated (G; older notation c.29dupG).
Protein change: p.Cys10fs; shifts the reading frame from cysteine 10.
Molecular consequence: frameshift variant.
Genome position (GRCh38, 1-based): chr9:95,249,263, C duplicated on the plus strand (G on the coding strand, the reverse complement: FANCC is on the minus strand). VCF-style (leftmost placement, unchanged base first): chr9-95249262-A-AC. GRCh37 (hg19) VCF-style: chr9-98011544-A-AC.
Other names: c.29dupG (NM_000136.2); c.29dup, p.Cys10fs (NM_001243743.2, NM_001243744.2); short protein forms C10fs.
Identifiers: ClinVar variation 237069 (VCV000237069.12), dbSNP rs878853671, ClinGen allele CA10582671.

ClinVar aggregate classification (germline): Pathogenic/Likely pathogenic. Review status: criteria provided, multiple submitters, no conflicts (2 of 4 stars). 4 submissions from 4 submitters: Pathogenic (2); Likely pathogenic (2). Last evaluated 2023-02-08.

Conditions:
Hereditary cancer-predisposing syndrome. Also called: Hereditary neoplastic syndrome; Hereditary Cancer Syndrome; Neoplastic Syndromes, Hereditary; Tumor predisposition. Identifiers: Orphanet 140162, MedGen C0027672, MeSH D009386, MONDO:0015356.
Fanconi anemia (FA). Also called: Fanconi's anemia. Identifiers: Orphanet 84, MedGen C0015625, MeSH D005199, MONDO:0019391.
Fanconi anemia complementation group C (FANCC). Also called: FANCC-Related Fanconi Anemia; FANCONI PANCYTOPENIA, TYPE 3; FACC; Fanconi anemia, group C. Identifiers: Orphanet 84, MedGen C3468041, MONDO:0009213, OMIM 227645.

Allele frequency attached by ClinVar (database versions not stated): TOPMed below 0.00001.

Submissions (4):

Baylor Genetics
Classification: Likely pathogenic for Fanconi anemia complementation group C. Last evaluated: 2023-02-08. Review status: criteria provided, single submitter. Criteria: ACMG Guidelines, 2015. Collection method: clinical testing. Allele origin: unknown.

Ambry Genetics
Classification: Pathogenic for Hereditary cancer-predisposing syndrome. Last evaluated: 2021-09-21. Review status: criteria provided, single submitter. Criteria: Ambry Variant Classification Scheme 2023. Collection method: clinical testing. Allele origin: germline.
Comment: The c.29dupG pathogenic mutation, located in coding exon 1 of the FANCC gene, results from a duplication of G at nucleotide position 29, causing a translational frameshift with a predicted alternate stop codon (p.C10Wfs*2). This alteration is expected to result in loss of function by premature protein truncation or nonsense-mediated mRNA decay. As such, this alteration is interpreted as a disease-causing mutation.

GeneDx
Classification: Likely pathogenic. Last evaluated: 2019-12-27. Review status: criteria provided, single submitter. Criteria: GeneDx Variant Classification Process June 2021. Collection method: clinical testing. Allele origin: germline. Affected: yes.
Comment: Frameshift variant predicted to result in protein truncation or nonsense mediated decay in a gene for which loss-of-function is a known mechanism of disease; Not observed in large population cohorts (Lek et al., 2016); Has not been previously published as pathogenic or benign to our knowledge

Labcorp Genetics (formerly Invitae), Labcorp
Classification: Pathogenic for Fanconi anemia. Last evaluated: 2015-11-28. Review status: criteria provided, single submitter. Criteria: Invitae Variant Classification Sherloc (09022015). Collection method: clinical testing. Allele origin: germline.
Comment: For these reasons, this variant has been classified as Pathogenic. While this particular variant has not been reported in the literature, truncating variants in FANCC are known to be pathogenic (PMID: 17924555). This sequence change inserts 1 nucleotide in exon 2 of the FANCC mRNA (c.29dupG), causing a frameshift at codon 10. This creates a premature translational stop signal (p.Cys10Trpfs*2) and is expected to result in an absent or disrupted protein product.

Literature cited by the submitters: PubMed 17924555 (cited by Labcorp Genetics (formerly Invitae), Labcorp).